The following is an entry in ClinVar:

ClinVar aggregate classification (germline): Uncertain significance (1 of 4 stars; one submission).

Conditions:
Congenital myasthenic syndrome 4A. Also called: Myasthenic syndrome, congenital, 4a, slow-channel; CONGENITAL MYASTHENIC SYNDROME TYPE Ia1; MYASTHENIC SYNDROME, CONGENITAL, 4A, SLOW-CHANNEL, AUTOSOMAL RECESSIVE. Identifiers: Orphanet 590, MedGen C4225413, MONDO:0011600, OMIM 605809.

Submission:

Labcorp Genetics (formerly Invitae), Labcorp
Classification: Uncertain significance for Myasthenia, Familial Infantile, 1. Last evaluated: 2019-05-09. Review status: criteria provided, single submitter. Criteria: Invitae Variant Classification Sherloc (09022015). Collection method: clinical testing. Allele origin: germline.
Comment: This variant results in a copy number gain of the genomic region encompassing the full coding sequence of the CHRNE gene. The boundaries of this event are unknown as they extend beyond the assayed region for this gene and therefore may encompass additional genes. As the precise location of this event is unknown, it may be in tandem or it may be located elsewhere in the genome. This variant has not been reported in the literature in individuals with CHRNE-related disease. In summary, the available evidence is currently insufficient to determine the role of this variant in disease. Therefore, it has been classified as a Variant of Uncertain Significance.

NC_000017.10:g.(?_4802011)_(4850135_?)dup

Genes: SLC25A11 (solute carrier family 25 member 11; minus strand), RNF167 (ring finger protein 167; plus strand), PFN1 (profilin 1; minus strand), C17orf107 (chromosome 17 open reading frame 107; plus strand), CHRNE (cholinergic receptor nicotinic epsilon subunit; minus strand) and 14 more. Cytogenetic location: 17p13.2.
Variant type: Duplication.
Identifiers: ClinVar variation 642050 (VCV000642050.2).